The following is an entry in ClinVar:

ClinVar aggregate classification (germline): Uncertain significance (1 of 4 stars; one submission).

Submission:

Ambry Genetics
Classification: Uncertain significance. Last evaluated: 2026-01-18. Review status: criteria provided, single submitter. Criteria: Ambry Variant Classification Scheme 2023. Collection method: clinical testing. Allele origin: germline.
Comment: The p.T360I variant (also known as c.1079C>T), located in coding exon 10 of the GEN1 gene, results from a C to T substitution at nucleotide position 1079. The threonine at codon 360 is replaced by isoleucine, an amino acid with similar properties. This amino acid position is conserved. In addition, this alteration is predicted to be tolerated by in silico analysis. Based on the available evidence, the clinical significance of this variant remains unclear.

NM_001130009.3(GEN1):c.1079C>T (p.Thr360Ile)

Gene: GEN1 (GEN1 structure-specific endonuclease; plus strand). Cytogenetic location: 2p24.2.
Variant type: single nucleotide variant.
Coding change: c.1079C>T on transcript NM_001130009.3 (MANE Select); coding-DNA position 1079, C replaced by T.
Protein change: p.Thr360Ile; replaces threonine 360 with isoleucine.
Molecular consequence: missense variant.
Genome position (GRCh38, 1-based): chr2:17,774,278, C>T. VCF-style: chr2-17774278-C-T. GRCh37 (hg19) VCF-style: chr2-17955545-C-T.
Other names: c.1079C>T, p.Thr360Ile (NM_182625.5); short protein forms T360I.
Identifiers: ClinVar variation 4844963 (VCV004844963.1).